The following is an entry in ClinVar:

ClinVar aggregate classification (germline): Uncertain significance (1 of 4 stars; one submission).

Allele frequency attached by ClinVar (database versions not stated): TOPMed below 0.00001.

Submission:

Labcorp Genetics (formerly Invitae), Labcorp
Classification: Uncertain significance. Last evaluated: 2022-05-16. Review status: criteria provided, single submitter. Criteria: Invitae Variant Classification Sherloc (09022015). Collection method: clinical testing. Allele origin: germline.
Comment: In summary, the available evidence is currently insufficient to determine the role of this variant in disease. Therefore, it has been classified as a Variant of Uncertain Significance. Algorithms developed to predict the effect of missense changes on protein structure and function are either unavailable or do not agree on the potential impact of this missense change (SIFT: "Not Available"; PolyPhen-2: "Benign"; Align-GVGD: "Not Available"). This variant has not been reported in the literature in individuals affected with DDRGK1-related conditions. This variant is not present in population databases (gnomAD no frequency). This sequence change replaces glutamic acid, which is acidic and polar, with glycine, which is neutral and non-polar, at codon 173 of the DDRGK1 protein (p.Glu173Gly).

NM_023935.3(DDRGK1):c.518A>G (p.Glu173Gly)

Gene: DDRGK1 (DDRGK domain containing 1; minus strand). Cytogenetic location: 20p13.
Variant type: single nucleotide variant.
Coding change: c.518A>G on transcript NM_023935.3 (MANE Select); coding-DNA position 518, A replaced by G.
Protein change: p.Glu173Gly; replaces glutamic acid 173 with glycine.
Molecular consequence: missense variant.
Genome position (GRCh38, 1-based): chr20:3,195,346, T>C on the plus strand (A>G on the coding strand, the complement: DDRGK1 is on the minus strand). VCF-style: chr20-3195346-T-C. GRCh37 (hg19) VCF-style: chr20-3175992-T-C.
Other names: short protein forms E173G.
Identifiers: ClinVar variation 1895797 (VCV001895797.5), dbSNP rs2067005699, ClinGen allele CA408069634.